The following is an entry in ClinVar:

ClinVar aggregate classification (germline): Likely benign (1 of 4 stars; one submission).

Allele frequency attached by ClinVar (database versions not stated): gnomAD 0.00001; TOPMed 0.00001.
gnomAD v4.1: 2 of 1,605,254 alleles (0.00012%); highest among the groups gnomAD compares: Middle Eastern, 0.016%; no homozygotes.

Submission:

GeneDx
Classification: Likely benign. Last evaluated: 2017-11-08. Review status: criteria provided, single submitter. Criteria: GeneDx Variant Classification (06012015). Collection method: clinical testing. Allele origin: germline. Affected: yes.
Comment: This variant is considered likely benign or benign based on one or more of the following criteria: it is a conservative change, it occurs at a poorly conserved position in the protein, it is predicted to be benign by multiple in silico algorithms, and/or has population frequency not consistent with disease.

NM_002454.3(MTRR):c.-26+6C>G

Genes: MTRR (5-methyltetrahydrofolate-homocysteine methyltransferase reductase; plus strand), LOC129993631 (ATAC-STARR-seq lymphoblastoid silent region 15904; plus strand). Cytogenetic location: 5p15.31.
Variant type: single nucleotide variant.
Coding change: c.-26+6C>G on transcript NM_002454.3 (MANE Select); 6 bases into the intron after 26 bases upstream of the start codon, C replaced by G.
Molecular consequence: intron variant. On other transcripts: 5 prime UTR variant (3).
Genome position (GRCh38, 1-based): chr5:7,869,221, C>G. VCF-style: chr5-7869221-C-G. GRCh37 (hg19) VCF-style: chr5-7869334-C-G.
Other names: c.-861C>G (NM_001364440.2); c.-523C>G (NM_001364441.2); c.-103C>G (NM_001364442.2); c.-26+32C>G (NM_024010.4).
Identifiers: ClinVar variation 508943 (VCV000508943.1), dbSNP rs202133025, ClinGen allele CA658796496.